The following is an entry in ClinVar:

ClinVar aggregate classification (germline): Uncertain significance (0 of 4 stars; one submission).

Conditions:
Metabolic disease. Also called: metabolic disorder; Metabolic disorders, general. Identifiers: MedGen C0025517, MONDO:0005066.

gnomAD v4.1: 118 of 152,316 alleles (0.077%); highest among the groups gnomAD compares: Non-Finnish European, 0.14%; no homozygotes.

Submission:

Joint Genome Diagnostic Labs from Nijmegen and Maastricht, Radboudumc and MUMC+
Classification: Uncertain significance for metabolic disorder. Review status: no assertion criteria provided. Collection method: clinical testing. Allele origin: germline. Affected: yes.
Comment: Found in trans with pathogenic monoallelic variant

NM_001876.4(CPT1A):c.-14+11934T>A

Gene: CPT1A (carnitine palmitoyltransferase 1A; minus strand). Cytogenetic location: 11q13.3.
Variant type: single nucleotide variant.
Coding change: c.-14+11934T>A on transcript NM_001876.4 (MANE Select); 11934 bases into the intron after 14 bases upstream of the start codon, T replaced by A.
Molecular consequence: intron variant.
Genome position (GRCh38, 1-based): chr11:68,829,841, A>T on the plus strand (T>A on the coding strand, the complement: CPT1A is on the minus strand). VCF-style: chr11-68829841-A-T. GRCh37 (hg19) VCF-style: chr11-68597309-A-T.
Other names: c.-14+11934T>A (NM_001031847.3).
Identifiers: ClinVar variation 3338130 (VCV003338130.1).
Genomic context (GRCh38, chr11:68,829,841, plus strand): 5'-GGGCCAGCTATGGAGTAAATCGGAGGTGGCGGCAACACCCCGGCGGCCTCCACCACACCA[A>T]AAACAACACATCGTCTGGCATTGTCATGGGGCCGCGGATGTGTCTATTTTCACTGAAAGT-3'